The following is an entry in ClinVar:

ClinVar aggregate classification (germline): Uncertain significance. Review status: criteria provided, multiple submitters, no conflicts (2 of 4 stars). 3 submissions from 3 submitters: Uncertain significance (2). 1 of the submissions does not count toward it. Last evaluated 2025-09-12.

Conditions:
Hereditary cancer-predisposing syndrome. Also called: Hereditary neoplastic syndrome; Tumor predisposition; Hereditary Cancer Syndrome; Neoplastic Syndromes, Hereditary. Identifiers: Orphanet 140162, MedGen C0027672, MeSH D009386, MONDO:0015356.
Microcephaly, normal intelligence and immunodeficiency (NBS). Also called: BERLIN BREAKAGE SYNDROME; SEEMANOVA SYNDROME II; Ataxia telangiectasia variant V1; IMMUNODEFICIENCY, MICROCEPHALY, AND CHROMOSOMAL INSTABILITY; Immunodeficiency, microcephaly with normal intelligence; Nijmegen breakage syndrome. Identifiers: Orphanet 647, MedGen C0398791, MONDO:0009623, OMIM 251260.

Submissions (3):

Ambry Genetics
Classification: Uncertain significance for Hereditary cancer-predisposing syndrome. Last evaluated: 2025-09-12. Review status: criteria provided, single submitter. Criteria: Ambry Variant Classification Scheme 2023. Collection method: clinical testing. Allele origin: germline.
Comment: The p.S347P variant (also known as c.1039T>C), located in coding exon 9 of the NBN gene, results from a T to C substitution at nucleotide position 1039. The serine at codon 347 is replaced by proline, an amino acid with similar properties. This amino acid position is conserved. In addition, this alteration is predicted to be tolerated by in silico analysis. Based on the available evidence, the clinical significance of this variant remains unclear.

Labcorp Genetics (formerly Invitae), Labcorp
Classification: Uncertain significance for Microcephaly, normal intelligence and immunodeficiency. Last evaluated: 2023-07-10. Review status: criteria provided, single submitter. Criteria: Invitae Variant Classification Sherloc (09022015). Collection method: clinical testing. Allele origin: germline.
Comment: In summary, the available evidence is currently insufficient to determine the role of this variant in disease. Therefore, it has been classified as a Variant of Uncertain Significance. Algorithms developed to predict the effect of missense changes on protein structure and function output the following: SIFT: "Not Available"; PolyPhen-2: "Benign"; Align-GVGD: "Not Available". The proline amino acid residue is found in multiple mammalian species, which suggests that this missense change does not adversely affect protein function. ClinVar contains an entry for this variant (Variation ID: 581245). This variant has not been reported in the literature in individuals affected with NBN-related conditions. This variant is not present in population databases (gnomAD no frequency). This sequence change replaces serine, which is neutral and polar, with proline, which is neutral and non-polar, at codon 347 of the NBN protein (p.Ser347Pro).

Natera, Inc.
Classification: Uncertain significance for Nijmegen breakage syndrome. Last evaluated: 2020-09-16. Review status: no assertion criteria provided. Collection method: clinical testing. Allele origin: germline. Not counted in ClinVar's aggregate classification.

NM_002485.5(NBN):c.1039T>C (p.Ser347Pro)

Gene: NBN (nibrin; minus strand). Cytogenetic location: 8q21.3.
Variant type: single nucleotide variant.
Coding change: c.1039T>C on transcript NM_002485.5 (MANE Select); coding-DNA position 1039, T replaced by C.
Protein change: p.Ser347Pro; replaces serine 347 with proline.
Molecular consequence: missense variant.
Genome position (GRCh38, 1-based): chr8:89,958,810, A>G on the plus strand (T>C on the coding strand, the complement: NBN is on the minus strand). VCF-style: chr8-89958810-A-G. GRCh37 (hg19) VCF-style: chr8-90971038-A-G.
Other names: c.793T>C, p.Ser265Pro (NM_001024688.3); short protein forms S347P, S265P.
Identifiers: ClinVar variation 581245 (VCV000581245.10), dbSNP rs1563539035, ClinGen allele CA371656735.